The following is an entry in ClinVar:

NM_014159.7(SETD2):c.347T>C (p.Met116Thr)

Gene: SETD2 (SET domain containing 2, histone lysine methyltransferase; minus strand). Cytogenetic location: 3p21.31.
Variant type: single nucleotide variant.
Coding change: c.347T>C on transcript NM_014159.7 (MANE Select); coding-DNA position 347, T replaced by C.
Protein change: p.Met116Thr; replaces methionine 116 with threonine.
Molecular consequence: missense variant. On other transcripts: non-coding transcript variant (1).
Genome position (GRCh38, 1-based): chr3:47,124,289, A>G on the plus strand (T>C on the coding strand, the complement: SETD2 is on the minus strand). VCF-style: chr3-47124289-A-G. GRCh37 (hg19) VCF-style: chr3-47165779-A-G.
Other names: c.215T>C, p.Met72Thr (NM_001349370.3); short protein forms M116T, M72T.
Identifiers: ClinVar variation 2769667 (VCV002769667.3), dbSNP rs2545654094, ClinGen allele CA352537559.

ClinVar aggregate classification (germline): Uncertain significance (1 of 4 stars; one submission).

Conditions:
Luscan-Lumish syndrome. Identifiers: Orphanet 597738, MedGen C4085873, MONDO:0014791, OMIM 616831.

Submission:

Labcorp Genetics (formerly Invitae), Labcorp
Classification: Uncertain significance for Luscan-Lumish syndrome. Last evaluated: 2023-10-17. Review status: criteria provided, single submitter. Criteria: Invitae Variant Classification Sherloc (09022015). Collection method: clinical testing. Allele origin: germline.
Comment: This sequence change replaces methionine, which is neutral and non-polar, with threonine, which is neutral and polar, at codon 116 of the SETD2 protein (p.Met116Thr). This variant is not present in population databases (gnomAD no frequency). This variant has not been reported in the literature in individuals affected with SETD2-related conditions. Advanced modeling of protein sequence and biophysical properties (such as structural, functional, and spatial information, amino acid conservation, physicochemical variation, residue mobility, and thermodynamic stability) performed at Invitae indicates that this missense variant is not expected to disrupt SETD2 protein function. In summary, the available evidence is currently insufficient to determine the role of this variant in disease. Therefore, it has been classified as a Variant of Uncertain Significance.